The following is an entry in ClinVar:

NM_183387.3(EML5):c.5203-9dup

Genes: EML5 (EMAP like 5; minus strand), ZC3H14 (zinc finger CCCH-type containing 14; plus strand). Cytogenetic location: 14q31.3.
Variant type: Duplication.
Coding change: c.5203-9dup on transcript NM_183387.3 (MANE Select); 9 bases into the intron before coding-DNA position 5203, one base duplicated (T; older notation c.5203-9dupT).
Molecular consequence: intron variant. On other transcripts: 3 prime UTR variant (28), non-coding transcript variant (1).
Genome position (GRCh38, 1-based): chr14:88,620,935, A duplicated on the plus strand (T on the coding strand, the reverse complement: EML5 is on the minus strand); the first of 17 consecutive A bases (chr14:88,620,935-88,620,951); duplicating any one gives the same sequence. VCF-style (leftmost placement, unchanged base first): chr14-88620934-T-TA. GRCh37 (hg19) VCF-style: chr14-89087278-T-TA.
Other names: c.*9200dup (NM_001160103.2, NM_001160104.2, NM_001326295.2 and 25 more transcripts); c.5179-9dup (NM_001411033.1); c.5194-9dup (NM_001385116.1).
Identifiers: ClinVar variation 402826 (VCV000402826.5), dbSNP rs35953031, ClinGen allele CA7301026.

ClinVar aggregate classification (germline): Benign. Review status: criteria provided, multiple submitters, no conflicts (2 of 4 stars). 2 submissions from 2 submitters: Benign (2). Last evaluated 2024-11-27.

Submissions (2):

Blueprint Genetics
Classification: Benign. Last evaluated: 2024-11-27. Review status: criteria provided, single submitter. Criteria: ACMG Guidelines, 2015. Collection method: clinical testing. Allele origin: germline.

Laboratory for Molecular Medicine, Mass General Brigham Personalized Medicine
Classification: Benign. Last evaluated: 2016-03-29. Review status: criteria provided, single submitter. Criteria: LMM Criteria. Collection method: clinical testing. Allele origin: germline.
Comment: Variant identified in a genome or exome case(s) and assessed due to predicted null impact of the variant or pathogenic assertions in the literature or databases. Disclaimer: This variant has not undergone full assessment. The following are preliminary notes: Frequency